The following is an entry in ClinVar:

NM_007294.4(BRCA1):c.3030T>C (p.Pro1010=)

Gene: BRCA1 (BRCA1 DNA repair associated; minus strand). Cytogenetic location: 17q21.31.
Variant type: single nucleotide variant.
Coding change: c.3030T>C on transcript NM_007294.4 (MANE Select); coding-DNA position 3030, T replaced by C.
Protein change: p.Pro1010=; no amino-acid change (proline 1010 retained).
Molecular consequence: synonymous variant. On other transcripts: intron variant (137).
Genome position (GRCh38, 1-based): chr17:43,092,501, A>G on the plus strand (T>C on the coding strand, the complement: BRCA1 is on the minus strand). VCF-style: chr17-43092501-A-G. GRCh37 (hg19) VCF-style: chr17-41244518-A-G.
Other names: c.2817T>C, p.Pro939= (NM_001407571.1, NM_001407853.1, NM_001407894.1 and 9 more transcripts); c.3030T>C, p.Pro1010= (NM_001407581.1, NM_001407582.1, NM_001407583.1 and 30 more transcripts); c.3027T>C, p.Pro1009= (NM_001407587.1, NM_001407590.1, NM_001407591.1 and 22 more transcripts); c.3021T>C, p.Pro1007= (NM_001407646.1, NM_001407647.1); c.2907T>C, p.Pro969= (NM_001407648.1, NM_001407664.1, NM_001407665.1 and 19 more transcripts); c.2904T>C, p.Pro968= (NM_001407649.1, NM_001407670.1, NM_001407671.1 and 11 more transcripts); c.2952T>C, p.Pro984= (NM_001407653.1, NM_001407654.1, NM_001407655.1 and 4 more transcripts); c.2949T>C, p.Pro983= (NM_001407659.1, NM_001407660.1, NM_001407661.1 and 1 more transcripts); and 41 more.
Identifiers: ClinVar variation 2681807 (VCV002681807.1), dbSNP rs876660048, ClinGen allele CA500232349.

ClinVar aggregate classification (germline): Uncertain significance (1 of 4 stars; one submission).

Submission:

Quest Diagnostics Nichols Institute San Juan Capistrano
Classification: Uncertain significance. Last evaluated: 2023-07-07. Review status: criteria provided, single submitter. Criteria: Quest Diagnostics criteria. Collection method: clinical testing. Allele origin: unknown.
Comment: To the best of our knowledge, this variant has not been reported in the published literature. It also has not been reported in large, multi-ethnic general populations (Genome Aggregation Database). Analysis of this variant using software algorithms for the prediction of the effect of nucleotide changes on splicing yielded predictions that this variant does not affect BRCA1 mRNA splicing . Based on the available information, we are unable to determine the clinical significance of this variant.